The following is an entry in ClinVar:

ClinVar aggregate classification (germline): Benign (1 of 4 stars; one submission).

Allele frequency attached by ClinVar (database versions not stated): 1000 Genomes Project 30x 0.41568; TOPMed 0.41646; 1000 Genomes Project 0.42013; gnomAD 0.42111; gnomAD exomes 0.43219.
gnomAD v4.1: 71,365 of 168,824 alleles (42%); highest among the groups gnomAD compares: South Asian, 54%; 15,437 homozygotes.

Submission:

Unidad de Genómica Garrahan, Hospital de Pediatría Garrahan
Classification: Benign. Last evaluated: 2024-07-15. Review status: criteria provided, single submitter. Criteria: ACMG Guidelines, 2015. Collection method: clinical testing. Allele origin: germline. Affected: no. Observed: 59 variant alleles.
Comment: This variant is classified as Benign based on local population frequency. This variant was detected in 63% of patients studied in a panel designed for Epileptic and Developmental Encephalopathy and Progressive Myoclonus Epilepsy. Number of patients: 59. Only high quality variants are reported.

NM_003560.4(PLA2G6):c.210-1793A>G

Gene: PLA2G6 (phospholipase A2 group VI; minus strand). Cytogenetic location: 22q13.1.
Variant type: single nucleotide variant.
Coding change: c.210-1793A>G on transcript NM_003560.4 (MANE Select); 1793 bases into the intron before coding-DNA position 210, A replaced by G.
Molecular consequence: intron variant.
Genome position (GRCh38, 1-based): chr22:38,147,446, T>C on the plus strand (A>G on the coding strand, the complement: PLA2G6 is on the minus strand). VCF-style: chr22-38147446-T-C. GRCh37 (hg19) VCF-style: chr22-38543453-T-C.
Other names: c.-281-1793A>G (NM_001349868.2); c.210-1793A>G (NM_001349866.2, NM_001199562.3, NM_001349865.2 and 2 more transcripts); c.-326+1047A>G (NM_001349869.2, NM_001349867.2).
Identifiers: ClinVar variation 3255255 (VCV003255255.2), dbSNP rs2284060.